The following is an entry in ClinVar:

NM_198525.3(KIF7):c.3907G>C (p.Val1303Leu)

Gene: KIF7 (kinesin family member 7; minus strand). Cytogenetic location: 15q26.1.
Variant type: single nucleotide variant.
Coding change: c.3907G>C on transcript NM_198525.3 (MANE Select); coding-DNA position 3907, G replaced by C.
Protein change: p.Val1303Leu; replaces valine 1303 with leucine.
Molecular consequence: missense variant.
Genome position (GRCh38, 1-based): chr15:89,628,544, C>G on the plus strand (G>C on the coding strand, the complement: KIF7 is on the minus strand). VCF-style: chr15-89628544-C-G. GRCh37 (hg19) VCF-style: chr15-90171775-C-G.
Other names: short protein forms V1303L.
Identifiers: ClinVar variation 2043138 (VCV002043138.3), dbSNP rs756672880, ClinGen allele CA7727483.

ClinVar aggregate classification (germline): Uncertain significance. Review status: criteria provided, multiple submitters, no conflicts (2 of 4 stars). 3 submissions from 3 submitters: Uncertain significance (3). Last evaluated 2024-01-30.

Conditions:
Multiple epiphyseal dysplasia, Al-Gazali type. Also called: Macrocephaly with multiple epiphyseal dysplasia and distinctive facies. Identifiers: Orphanet 166024, MedGen C1846722, MONDO:0011778, OMIM 607131.
Acrocallosal syndrome (ACLS). Also called: HALLUX DUPLICATION, POSTAXIAL POLYDACTYLY, AND ABSENCE OF CORPUS CALLOSUM; Schinzel syndrome 1; Absence of corpus callosum with unusual facial appearance, mental deficiency, duplication of the halluces and polydactyly. Identifiers: Orphanet 36, MedGen C0796147, MONDO:0008708, OMIM 200990.
Hydrolethalus syndrome 2 (HLS2). Identifiers: Orphanet 2189, MedGen C3279899, MONDO:0013585, OMIM 614120.
Inborn genetic diseases. Identifiers: MedGen C0950123, MeSH D030342.

Allele frequency attached by ClinVar (database versions not stated): gnomAD 0.00003; gnomAD exomes 0.00003; TOPMed 0.00003; ExAC 0.00004.

Submissions (3):

Fulgent Genetics
Classification: Uncertain significance for Acrocallosal syndrome; Multiple epiphyseal dysplasia, Al-Gazali type; Hydrolethalus syndrome 2. Last evaluated: 2024-01-30. Review status: criteria provided, single submitter. Criteria: ACMG Guidelines, 2015. Collection method: clinical testing. Allele origin: germline.

Labcorp Genetics (formerly Invitae), Labcorp
Classification: Uncertain significance for Acrocallosal syndrome. Last evaluated: 2022-10-05. Review status: criteria provided, single submitter. Criteria: Invitae Variant Classification Sherloc (09022015). Collection method: clinical testing. Allele origin: germline.
Comment: This sequence change replaces valine, which is neutral and non-polar, with leucine, which is neutral and non-polar, at codon 1303 of the KIF7 protein (p.Val1303Leu). This variant is present in population databases (rs756672880, gnomAD 0.02%). This variant has not been reported in the literature in individuals affected with KIF7-related conditions. Algorithms developed to predict the effect of missense changes on protein structure and function output the following: SIFT: "Tolerated"; PolyPhen-2: "Benign"; Align-GVGD: "Class C0". The leucine amino acid residue is found in multiple mammalian species, which suggests that this missense change does not adversely affect protein function. In summary, the available evidence is currently insufficient to determine the role of this variant in disease. Therefore, it has been classified as a Variant of Uncertain Significance.

Ambry Genetics
Classification: Uncertain significance for Inborn genetic diseases. Last evaluated: 2021-06-18. Review status: criteria provided, single submitter. Criteria: Ambry Variant Classification Scheme 2023. Collection method: clinical testing. Allele origin: germline.